The following is an entry in ClinVar:

ClinVar aggregate classification (germline): Uncertain significance. Review status: criteria provided, multiple submitters, no conflicts (2 of 4 stars). 3 submissions from 3 submitters: Uncertain significance (2). 1 of the submissions does not count toward it. Last evaluated 2025-03-06.

Conditions:
Aicardi Goutieres syndrome (AGS). Also called: Encephalopathy, familial infantile, with calcification of basal ganglia and chronic cerebrospinal fluid lymphocytosis. Identifiers: Orphanet 51, MedGen C0393591, MONDO:0018866.
Aicardi-Goutieres syndrome 5. Identifiers: Orphanet 51, MedGen C2749659, MONDO:0013059, OMIM 612952.
Inborn genetic diseases. Identifiers: MedGen C0950123, MeSH D030342.

Allele frequency attached by ClinVar (database versions not stated): gnomAD exomes below 0.00001; TOPMed below 0.00001; ExAC 0.00001.
gnomAD v4.1: 3 of 1,612,264 alleles (0.00019%); highest among the groups gnomAD compares: Admixed American, 0.0017%; no homozygotes.

Submissions (3):

Ambry Genetics
Classification: Uncertain significance for Inborn genetic diseases. Last evaluated: 2025-03-06. Review status: criteria provided, single submitter. Criteria: Ambry Variant Classification Scheme 2023. Collection method: clinical testing. Allele origin: germline.

Labcorp Genetics (formerly Invitae), Labcorp
Classification: Uncertain significance for Aicardi-Goutieres syndrome 5. Last evaluated: 2022-06-15. Review status: criteria provided, single submitter. Criteria: Invitae Variant Classification Sherloc (09022015). Collection method: clinical testing. Allele origin: germline.
Comment: This sequence change replaces lysine, which is basic and polar, with arginine, which is basic and polar, at codon 377 of the SAMHD1 protein (p.Lys377Arg). This variant is present in population databases (rs771757103, gnomAD 0.0009%). This variant has not been reported in the literature in individuals affected with SAMHD1-related conditions. Algorithms developed to predict the effect of missense changes on protein structure and function (SIFT, PolyPhen-2, Align-GVGD) all suggest that this variant is likely to be tolerated. In summary, the available evidence is currently insufficient to determine the role of this variant in disease. Therefore, it has been classified as a Variant of Uncertain Significance.

Natera, Inc.
Classification: Uncertain significance for Aicardi-Goutieres syndrome. Last evaluated: 2025-05-29. Review status: no assertion criteria provided. Collection method: clinical testing. Allele origin: germline. Not counted in ClinVar's aggregate classification.

NM_015474.4(SAMHD1):c.1130A>G (p.Lys377Arg)

Gene: SAMHD1 (SAM and HD domain containing deoxynucleoside triphosphate triphosphohydrolase 1; minus strand). Cytogenetic location: 20q11.23.
Variant type: single nucleotide variant.
Coding change: c.1130A>G on transcript NM_015474.4 (MANE Select); coding-DNA position 1130, A replaced by G.
Protein change: p.Lys377Arg; replaces lysine 377 with arginine.
Molecular consequence: missense variant.
Genome position (GRCh38, 1-based): chr20:36,912,485, T>C on the plus strand (A>G on the coding strand, the complement: SAMHD1 is on the minus strand). VCF-style: chr20-36912485-T-C. GRCh37 (hg19) VCF-style: chr20-35540888-T-C.
Other names: c.1130A>G, p.Lys377Arg (NM_001363729.2, NM_001363733.2); short protein forms K377R.
Identifiers: ClinVar variation 1909171 (VCV001909171.4), dbSNP rs771757103, ClinGen allele CA9844579.